The following is an entry in ClinVar:

NM_000038.6(APC):c.6286T>A (p.Ser2096Thr)

Gene: APC (APC regulator of Wnt signaling pathway; plus strand). Cytogenetic location: 5q22.2.
Variant type: single nucleotide variant.
Coding change: c.6286T>A on transcript NM_000038.6 (MANE Select); coding-DNA position 6286, T replaced by A.
Protein change: p.Ser2096Thr; replaces serine 2096 with threonine.
Molecular consequence: missense variant.
Genome position (GRCh38, 1-based): chr5:112,841,880, T>A. VCF-style: chr5-112841880-T-A. GRCh37 (hg19) VCF-style: chr5-112177577-T-A.
Other names: c.6286T>A, p.Ser2096Thr (NM_001127510.3, NM_001354895.2, NM_001407450.1); c.6232T>A, p.Ser2078Thr (NM_001127511.3); c.6340T>A, p.Ser2114Thr (NM_001354896.2, NM_001407447.1, NM_001407448.1 and 1 more transcripts); c.6316T>A, p.Ser2106Thr (NM_001354897.2); c.6211T>A, p.Ser2071Thr (NM_001354898.2); c.6202T>A, p.Ser2068Thr (NM_001354899.2); c.6163T>A, p.Ser2055Thr (NM_001354900.2); c.6265T>A, p.Ser2089Thr (NM_001407451.1); and 11 more; short protein forms S1813T, S1936T, S2037T, S1967T, S1970T, S2055T, S1712T, S1995T.
Identifiers: ClinVar variation 2044105 (VCV002044105.4), dbSNP rs1240136303, ClinGen allele CA16035092.

ClinVar aggregate classification (germline): Uncertain significance (1 of 4 stars; one submission).

Conditions:
Familial adenomatous polyposis 1 (FAP1). Also called: FAMILIAL ADENOMATOUS POLYPOSIS 1, ATTENUATED; POLYPOSIS, ADENOMATOUS INTESTINAL. Identifiers: MedGen C2713442, MONDO:0021056, OMIM 175100. Disease mechanism: loss of function.

Allele frequency attached by ClinVar (database versions not stated): gnomAD exomes below 0.00001.
gnomAD v4.1: 5 of 1,613,982 alleles (0.00031%); highest among the groups gnomAD compares: Non-Finnish European, 0.00042%; no homozygotes.

Submission:

Labcorp Genetics (formerly Invitae), Labcorp
Classification: Uncertain significance for Familial adenomatous polyposis 1. Last evaluated: 2024-03-06. Review status: criteria provided, single submitter. Criteria: Invitae Variant Classification Sherloc (09022015). Collection method: clinical testing. Allele origin: germline.
Comment: This sequence change replaces serine, which is neutral and polar, with threonine, which is neutral and polar, at codon 2096 of the APC protein (p.Ser2096Thr). This variant is present in population databases (no rsID available, gnomAD 0.0009%). This variant has not been reported in the literature in individuals affected with APC-related conditions. ClinVar contains an entry for this variant (Variation ID: 2044105). Advanced modeling of protein sequence and biophysical properties (such as structural, functional, and spatial information, amino acid conservation, physicochemical variation, residue mobility, and thermodynamic stability) performed at Invitae indicates that this missense variant is not expected to disrupt APC protein function with a negative predictive value of 95%. In summary, the available evidence is currently insufficient to determine the role of this variant in disease. Therefore, it has been classified as a Variant of Uncertain Significance.